The following is an entry in ClinVar:

ClinVar aggregate classification (germline): Conflicting classifications of pathogenicity. Review status: criteria provided, conflicting classifications (1 of 4 stars). 3 submissions from 3 submitters: Uncertain significance (2); Likely benign (1). Last evaluated 2025-08-15.

Conditions:
Landau-Kleffner syndrome (FESD). Also called: EPILEPSY, FOCAL, WITH SPEECH DISORDER AND WITH OR WITHOUT MENTAL RETARDATION; APHASIA, ACQUIRED, WITH EPILEPSY. Identifiers: Orphanet 1945, Orphanet 725, Orphanet 98818, MedGen C0282512, MONDO:0009509, OMIM 245570.

Allele frequency attached by ClinVar (database versions not stated): gnomAD exomes 0.00004 and 0.00003; TOPMed below 0.00001; gnomAD 0.00002 and below 0.00001; ExAC 0.00006; 1000 Genomes Project 30x 0.00031.
gnomAD v4.1: 46 of 1,613,394 alleles (0.0029%); highest among the groups gnomAD compares: South Asian, 0.047%; no homozygotes.

Submissions (3):

Labcorp Genetics (formerly Invitae), Labcorp
Classification: Likely benign for Landau-Kleffner syndrome. Last evaluated: 2025-08-15. Review status: criteria provided, single submitter. Criteria: Invitae Variant Classification Sherloc (09022015). Collection method: clinical testing. Allele origin: germline.

GeneDx
Classification: Uncertain significance. Last evaluated: 2025-07-11. Review status: criteria provided, single submitter. Criteria: GeneDx Variant Classification Process June 2021. Collection method: clinical testing. Allele origin: germline. Affected: yes.
Comment: Reported previously as a heterozygous variant of uncertain significance in a patient with seizure, impaired social interactions, inability to walk, aphasia, and hypotonia (PMID: 36801247); In silico analysis supports that this missense variant has a deleterious effect on protein structure/function; This variant is associated with the following publications: (PMID: 36801247)

Neuberg Centre For Genomic Medicine, NCGM
Classification: Uncertain significance for Landau-Kleffner syndrome. Review status: criteria provided, single submitter. Criteria: ACMG Guidelines, 2015. Collection method: clinical testing. Allele origin: germline. Affected: yes.
Comment: The missense variant p.H358Q in GRIN2A (NM_000833.5) has not been reported previously as a pathogenic variant nor as a benign variant, to our knowledge. The missense variant c.1074C>G (p.H358Q) in ? (NM_000833.5) is observed in 10/30616 (0.0327%) alleles from individuals of South Asian background in the gnomAD dataset (Exome Aggregation Consortium et al., 2016), but was not seen in the homozygous state. the variant is damaging by predictions and the resiude is weakly conserved across species. For these reasons, this variant has been classified as Uncertain Significance.

NM_001134407.3(GRIN2A):c.1074C>G (p.His358Gln)

Gene: GRIN2A (glutamate ionotropic receptor NMDA type subunit 2A; minus strand). Cytogenetic location: 16p13.2.
Variant type: single nucleotide variant.
Coding change: c.1074C>G on transcript NM_001134407.3 (MANE Select); coding-DNA position 1074, C replaced by G.
Protein change: p.His358Gln; replaces histidine 358 with glutamine.
Molecular consequence: missense variant.
Genome position (GRCh38, 1-based): chr16:9,891,034, G>C on the plus strand (C>G on the coding strand, the complement: GRIN2A is on the minus strand). VCF-style: chr16-9891034-G-C. GRCh37 (hg19) VCF-style: chr16-9984891-G-C.
Other names: c.1074C>G, p.His358Gln (NM_000833.5, NM_001134408.2); c.1074C>G (NM_000833.3); short protein forms H358Q.
Identifiers: ClinVar variation 653342 (VCV000653342.10), dbSNP rs763315364, ClinGen allele CA7896831.